The following is an entry in ClinVar:

NM_014795.4(ZEB2):c.404-14dup

Gene: ZEB2 (zinc finger E-box binding homeobox 2; minus strand). Cytogenetic location: 2q22.3.
Variant type: Duplication.
Coding change: c.404-14dup on transcript NM_014795.4 (MANE Select); 14 bases into the intron before coding-DNA position 404, one base duplicated (T; older notation c.404-14dupT).
Molecular consequence: intron variant.
Genome position (GRCh38, 1-based): chr2:144,405,035, A duplicated on the plus strand (T on the coding strand, the reverse complement: ZEB2 is on the minus strand); the first of 4 consecutive A bases (chr2:144,405,035-144,405,038); duplicating any one gives the same sequence. VCF-style (leftmost placement, unchanged base first): chr2-144405034-T-TA. GRCh37 (hg19) VCF-style: chr2-145162601-T-TA.
Other names: c.332-14dup (NM_001171653.2); c.404-11dupT (NM_014795.3).
Identifiers: ClinVar variation 512247 (VCV000512247.1), dbSNP rs770071448, ClinGen allele CA1898480.
Genomic context (GRCh38, chr2:144,405,034, plus strand): 5'-TTCTTTTGGCAAAGTATTCCTCAAAATCTGATGTGCAATTTGCATTCTTCACTGAAATCA[T>TA]AAAAGGAGAAGAAATGTTGTTTCCGGGCCTTCTTCCTAGGATCCCAAGTCCATCTCCATC-3'

ClinVar aggregate classification (germline): Likely benign (1 of 4 stars; one submission).

Submission:

GeneDx
Classification: Likely benign. Last evaluated: 2017-09-22. Review status: criteria provided, single submitter. Criteria: GeneDx Variant Classification (06012015). Collection method: clinical testing. Allele origin: germline. Affected: yes.
Comment: This variant is considered likely benign or benign based on one or more of the following criteria: it is a conservative change, it occurs at a poorly conserved position in the protein, it is predicted to be benign by multiple in silico algorithms, and/or has population frequency not consistent with disease.